The following is an entry in ClinVar:

NM_001687.5(ATP5F1D):c.336dup (p.Gln113fs)

Gene: ATP5F1D (ATP synthase F1 subunit delta; plus strand). Cytogenetic location: 19p13.3.
Variant type: Duplication.
Coding change: c.336dup on transcript NM_001687.5 (MANE Select); coding-DNA position 336, one base duplicated (G; older notation c.336dupG).
Protein change: p.Gln113fs; shifts the reading frame from glutamine 113.
Molecular consequence: frameshift variant.
Genome position (GRCh38, 1-based): chr19:1,244,137, G duplicated. VCF-style (leftmost placement, unchanged base first): chr19-1244136-T-TG. GRCh37 (hg19) VCF-style: chr19-1244135-T-TG.
Other names: c.336dup, p.Gln113fs (NM_001001975.2); short protein forms Q113fs.
Identifiers: ClinVar variation 2754270 (VCV002754270.3), dbSNP rs2081050894, ClinGen allele CA992499249.

ClinVar aggregate classification (germline): Uncertain significance (1 of 4 stars; one submission).

Allele frequency attached by ClinVar (database versions not stated): gnomAD 0.00001.

Submission:

Labcorp Genetics (formerly Invitae), Labcorp
Classification: Uncertain significance. Last evaluated: 2025-09-02. Review status: criteria provided, single submitter. Criteria: Invitae Variant Classification Sherloc (09022015). Collection method: clinical testing. Allele origin: germline.
Comment: This sequence change creates a premature translational stop signal (p.Gln113Alafs*34) in the ATP5D gene. It is expected to result in an absent or disrupted protein product. However, the current clinical and genetic evidence is not sufficient to establish whether loss-of-function variants in ATP5D cause disease. This variant is not present in population databases (gnomAD no frequency). This variant has not been reported in the literature in individuals affected with ATP5D-related conditions. ClinVar contains an entry for this variant (Variation ID: 2754270). In summary, the available evidence is currently insufficient to determine the role of this variant in disease. Therefore, it has been classified as a Variant of Uncertain Significance.